The following is an entry in ClinVar:

ClinVar aggregate classification (germline): Conflicting classifications of pathogenicity. Review status: criteria provided, conflicting classifications (1 of 4 stars). 6 submissions from 6 submitters: Uncertain significance (5); Likely benign (1). Last evaluated 2025-12-08.

Conditions:
Hereditary cancer-predisposing syndrome. Also called: Neoplastic Syndromes, Hereditary; Hereditary Cancer Syndrome; Tumor predisposition; Hereditary neoplastic syndrome. Identifiers: Orphanet 140162, MedGen C0027672, MeSH D009386, MONDO:0015356.
Ataxia-telangiectasia syndrome (AT). Also called: LOUIS-BAR SYNDROME; Cerebello-oculocutaneous telangiectasia; Immunodeficiency with ataxia telangiectasia; Ataxia-telangiectasia, complementation group D; AT, COMPLEMENTATION GROUP C; Ataxia-telangiectasia, complementation group E. Identifiers: Orphanet 100, MedGen C0004135, MONDO:0008840, OMIM 208900.
Familial cancer of breast. Also called: Hereditary breast cancer; BREAST CANCER, FAMILIAL; hereditary breast carcinoma. Identifiers: Orphanet 227535, MedGen C0346153, MONDO:0016419, OMIM 114480. Disease mechanism: loss of function.

Allele frequency attached by ClinVar (database versions not stated): gnomAD exomes 0.00001; TOPMed 0.00002; ExAC 0.00002.
gnomAD v4.1: 8 of 1,613,508 alleles (0.0005%); highest among the groups gnomAD compares: Non-Finnish European, 0.00068%; no homozygotes.

Submissions (6):

Labcorp Genetics (formerly Invitae), Labcorp
Classification: Uncertain significance for Ataxia-telangiectasia syndrome. Last evaluated: 2025-12-08. Review status: criteria provided, single submitter. Criteria: Invitae Variant Classification Sherloc (09022015). Collection method: clinical testing. Allele origin: germline.
Comment: This sequence change replaces glycine, which is neutral and non-polar, with arginine, which is basic and polar, at codon 2678 of the ATM protein (p.Gly2678Arg). This variant is present in population databases (rs766730487, gnomAD 0.002%). This variant has not been reported in the literature in individuals affected with ATM-related conditions. ClinVar contains an entry for this variant (Variation ID: 419163). Invitae Evidence Modeling of protein sequence and biophysical properties (such as structural, functional, and spatial information, amino acid conservation, physicochemical variation, residue mobility, and thermodynamic stability) indicates that this missense variant is not expected to disrupt ATM protein function with a negative predictive value of 95%. In summary, the available evidence is currently insufficient to determine the role of this variant in disease. Therefore, it has been classified as a Variant of Uncertain Significance.

Ambry Genetics
Classification: Likely benign for Hereditary cancer-predisposing syndrome. Last evaluated: 2024-12-12. Review status: criteria provided, single submitter. Criteria: Ambry Variant Classification Scheme 2023. Collection method: clinical testing. Allele origin: germline.

Baylor Genetics
Classification: Uncertain significance for Familial cancer of breast. Last evaluated: 2024-01-25. Review status: criteria provided, single submitter. Criteria: ACMG Guidelines, 2015. Collection method: clinical testing. Allele origin: unknown.

GeneDx
Classification: Uncertain significance. Last evaluated: 2023-01-26. Review status: criteria provided, single submitter. Criteria: GeneDx Variant Classification Process June 2021. Collection method: clinical testing. Allele origin: germline. Affected: yes.
Comment: Not observed at significant frequency in large population cohorts (gnomAD); In silico analysis supports that this missense variant does not alter protein structure/function; Observed in an individual with renal cancer (Yehia et al., 2018); This variant is associated with the following publications: (PMID: 29684080)

Women's Health and Genetics/Laboratory Corporation of America, LabCorp
Classification: Uncertain significance. Last evaluated: 2022-03-03. Review status: criteria provided, single submitter. Criteria: LabCorp Variant Classification Summary - May 2015. Collection method: clinical testing. Allele origin: germline.

Color Diagnostics, LLC DBA Color Health
Classification: Uncertain significance for Hereditary cancer-predisposing syndrome. Last evaluated: 2019-04-10. Review status: criteria provided, single submitter. Criteria: ACMG Guidelines, 2015. Collection method: clinical testing. Allele origin: germline.

Literature cited by the submitters: PubMed 29684080 (cited by Ambry Genetics).

NM_000051.4(ATM):c.8032G>A (p.Gly2678Arg)

Genes: ATM (ATM serine/threonine kinase; plus strand), C11orf65 (chromosome 11 open reading frame 65; minus strand). Cytogenetic location: 11q22.3.
Variant type: single nucleotide variant.
Coding change: c.8032G>A on transcript NM_000051.4 (MANE Select); coding-DNA position 8032, G replaced by A.
Protein change: p.Gly2678Arg; replaces glycine 2678 with arginine.
Molecular consequence: missense variant. On other transcripts: intron variant (2).
Genome position (GRCh38, 1-based): chr11:108,334,990, G>A. VCF-style: chr11-108334990-G-A. GRCh37 (hg19) VCF-style: chr11-108205717-G-A.
Other names: c.8032G>A, p.Gly2678Arg (NM_001351834.2); c.641-25919C>T (NM_001330368.2); c.*38+230C>T (NM_001351110.2); short protein forms G2678R.
Identifiers: ClinVar variation 419163 (VCV000419163.64), dbSNP rs766730487, ClinGen allele CA6266267.